The following is an entry in ClinVar:

ClinVar aggregate classification (germline): Uncertain significance. Review status: criteria provided, multiple submitters, no conflicts (2 of 4 stars). 2 submissions from 2 submitters: Uncertain significance (2). Last evaluated 2024-05-13.

Conditions:
Hypertrophic cardiomyopathy. Also called: HYPERTROPHIC MYOCARDIOPATHY. Identifiers: Orphanet 217569, MedGen C0007194, MeSH D002312, MONDO:0005045, HP:0001639.

Allele frequency attached by ClinVar (database versions not stated): ExAC 0.00004; ESP Exome Variant Server 0.00008; TOPMed below 0.00001; gnomAD 0.00001; gnomAD exomes 0.00001.
gnomAD v4.1: 10 of 1,613,300 alleles (0.00062%); highest among the groups gnomAD compares: East Asian, 0.0067%; no homozygotes.

Submissions (2):

Ambry Genetics
Classification: Uncertain significance. Last evaluated: 2024-05-13. Review status: criteria provided, single submitter. Criteria: Ambry Variant Classification Scheme 2023. Collection method: clinical testing. Allele origin: germline.

Labcorp Genetics (formerly Invitae), Labcorp
Classification: Uncertain significance for Hypertrophic cardiomyopathy. Last evaluated: 2022-09-21. Review status: criteria provided, single submitter. Criteria: Invitae Variant Classification Sherloc (09022015). Collection method: clinical testing. Allele origin: germline.
Comment: Advanced modeling of protein sequence and biophysical properties (such as structural, functional, and spatial information, amino acid conservation, physicochemical variation, residue mobility, and thermodynamic stability) has been performed at Invitae for this missense variant, however the output from this modeling did not meet the statistical confidence thresholds required to predict the impact of this variant on MYOM1 protein function. In summary, the available evidence is currently insufficient to determine the role of this variant in disease. Therefore, it has been classified as a Variant of Uncertain Significance. This variant has not been reported in the literature in individuals affected with MYOM1-related conditions. This sequence change replaces serine, which is neutral and polar, with leucine, which is neutral and non-polar, at codon 1641 of the MYOM1 protein (p.Ser1641Leu). This variant is present in population databases (rs374904841, gnomAD 0.006%).

NM_003803.4(MYOM1):c.4922C>T (p.Ser1641Leu)

Gene: MYOM1 (myomesin 1; minus strand). Cytogenetic location: 18p11.31.
Variant type: single nucleotide variant.
Coding change: c.4922C>T on transcript NM_003803.4 (MANE Select); coding-DNA position 4922, C replaced by T.
Protein change: p.Ser1641Leu; replaces serine 1641 with leucine.
Molecular consequence: missense variant.
Genome position (GRCh38, 1-based): chr18:3,067,398, G>A on the plus strand (C>T on the coding strand, the complement: MYOM1 is on the minus strand). VCF-style: chr18-3067398-G-A. GRCh37 (hg19) VCF-style: chr18-3067396-G-A.
Other names: c.4634C>T, p.Ser1545Leu (NM_019856.2); short protein forms S1545L, S1641L.
Identifiers: ClinVar variation 1744136 (VCV001744136.8), dbSNP rs374904841, ClinGen allele CA8873721.